The following is an entry in ClinVar:

ClinVar aggregate classification (germline): Uncertain significance (1 of 4 stars; one submission).

Submission:

Labcorp Genetics (formerly Invitae), Labcorp
Classification: Uncertain significance. Last evaluated: 2022-09-06. Review status: criteria provided, single submitter. Criteria: Invitae Variant Classification Sherloc (09022015). Collection method: clinical testing. Allele origin: germline.
Comment: In summary, the available evidence is currently insufficient to determine the role of this variant in disease. Therefore, it has been classified as a Variant of Uncertain Significance. Algorithms developed to predict the effect of missense changes on protein structure and function (SIFT, PolyPhen-2, Align-GVGD) all suggest that this variant is likely to be disruptive. This variant has not been reported in the literature in individuals affected with EMC1-related conditions. This variant is not present in population databases (gnomAD no frequency). This sequence change replaces isoleucine, which is neutral and non-polar, with threonine, which is neutral and polar, at codon 910 of the EMC1 protein (p.Ile910Thr).

NM_015047.3(EMC1):c.2729T>C (p.Ile910Thr)

Genes: EMC1 (ER membrane protein complex subunit 1; minus strand), EMC1-AS1 (EMC1 antisense RNA 1; plus strand). Cytogenetic location: 1p36.13.
Variant type: single nucleotide variant.
Coding change: c.2729T>C on transcript NM_015047.3 (MANE Select); coding-DNA position 2729, T replaced by C.
Protein change: p.Ile910Thr; replaces isoleucine 910 with threonine.
Molecular consequence: missense variant.
Genome position (GRCh38, 1-based): chr1:19,219,642, A>G on the plus strand (T>C on the coding strand, the complement: EMC1 is on the minus strand). VCF-style: chr1-19219642-A-G. GRCh37 (hg19) VCF-style: chr1-19546136-A-G.
Other names: c.2726T>C, p.Ile909Thr (NM_001271427.2, NM_001271428.2); c.2663T>C, p.Ile888Thr (NM_001271429.2); c.2738T>C, p.Ile913Thr (NM_001375820.1); c.2735T>C, p.Ile912Thr (NM_001375821.1); short protein forms I910T, I913T, I888T, I909T, I912T.
Identifiers: ClinVar variation 2004475 (VCV002004475.4), dbSNP rs2536637931, ClinGen allele CA338750103.